The following is an entry in ClinVar:

ClinVar aggregate classification (germline): Uncertain significance (1 of 4 stars; one submission).

Conditions:
Charcot-Marie-Tooth disease type 4. Also called: Charcot-Marie-Tooth, Type 4; Charcot-Marie-Tooth disease, type IV. Identifiers: Orphanet 64749, MedGen C4082197, MONDO:0018995.

Submission:

Labcorp Genetics (formerly Invitae), Labcorp
Classification: Uncertain significance for Charcot-Marie-Tooth disease type 4. Last evaluated: 2022-01-14. Review status: criteria provided, single submitter. Criteria: Invitae Variant Classification Sherloc (09022015). Collection method: clinical testing. Allele origin: germline.
Comment: This sequence change replaces lysine, which is basic and polar, with threonine, which is neutral and polar, at codon 121 of the SH3TC2 protein (p.Lys121Thr). In summary, the available evidence is currently insufficient to determine the role of this variant in disease. Therefore, it has been classified as a Variant of Uncertain Significance. Algorithms developed to predict the effect of missense changes on protein structure and function (SIFT, PolyPhen-2, Align-GVGD) all suggest that this variant is likely to be disruptive. This variant has not been reported in the literature in individuals affected with SH3TC2-related conditions. This variant is not present in population databases (gnomAD no frequency).

NM_024577.4(SH3TC2):c.362A>C (p.Lys121Thr)

Gene: SH3TC2 (SH3 domain and tetratricopeptide repeats 2; minus strand). Cytogenetic location: 5q32.
Variant type: single nucleotide variant.
Coding change: c.362A>C on transcript NM_024577.4 (MANE Select); coding-DNA position 362, A replaced by C.
Protein change: p.Lys121Thr; replaces lysine 121 with threonine.
Molecular consequence: missense variant.
Genome position (GRCh38, 1-based): chr5:149,044,556, T>G on the plus strand (A>C on the coding strand, the complement: SH3TC2 is on the minus strand). VCF-style: chr5-149044556-T-G. GRCh37 (hg19) VCF-style: chr5-148424119-T-G.
Other names: short protein forms K121T.
Identifiers: ClinVar variation 1347099 (VCV001347099.8), dbSNP rs1580912012, ClinGen allele CA361676607.